The following is an entry in ClinVar:

NM_001365999.1(SZT2):c.5326A>G (p.Ser1776Gly)

Gene: SZT2 (SZT2 subunit of KICSTOR complex; plus strand). Cytogenetic location: 1p34.2.
Variant type: single nucleotide variant.
Coding change: c.5326A>G on transcript NM_001365999.1 (MANE Select); coding-DNA position 5326, A replaced by G.
Protein change: p.Ser1776Gly; replaces serine 1776 with glycine.
Molecular consequence: missense variant.
Genome position (GRCh38, 1-based): chr1:43,432,323, A>G. VCF-style: chr1-43432323-A-G. GRCh37 (hg19) VCF-style: chr1-43897994-A-G.
Other names: c.5155A>G, p.Ser1719Gly (NM_015284.4); short protein forms S1719G, S1776G.
Identifiers: ClinVar variation 3781174 (VCV003781174.1).

ClinVar aggregate classification (germline): Uncertain significance (1 of 4 stars; one submission).

gnomAD v4.1: 5 of 1,603,068 alleles (0.00031%); highest among the groups gnomAD compares: Non-Finnish European, 0.00043%; no homozygotes.

Submission:

GeneDx
Classification: Uncertain significance. Last evaluated: 2024-10-17. Review status: criteria provided, single submitter. Criteria: GeneDx Variant Classification Process June 2021. Collection method: clinical testing. Allele origin: germline. Affected: yes.
Comment: Not observed at significant frequency in large population cohorts (gnomAD); In silico analysis indicates that this missense variant does not alter protein structure/function; Has not been previously published as pathogenic or benign to our knowledge